The following is an entry in ClinVar:

NM_032043.3(BRIP1):c.316C>T (p.Arg106Cys)

Gene: BRIP1 (BRCA1 interacting DNA helicase 1; minus strand). Cytogenetic location: 17q23.2.
Variant type: single nucleotide variant.
Coding change: c.316C>T on transcript NM_032043.3 (MANE Select); coding-DNA position 316, C replaced by T.
Protein change: p.Arg106Cys; replaces arginine 106 with cysteine.
Molecular consequence: missense variant.
Genome position (GRCh38, 1-based): chr17:61,857,121, G>A on the plus strand (C>T on the coding strand, the complement: BRIP1 is on the minus strand). VCF-style: chr17-61857121-G-A. GRCh37 (hg19) VCF-style: chr17-59934482-G-A.
Other names: p.R106C:CGT>TGT; short protein forms R106C.
Identifiers: ClinVar variation 128184 (VCV000128184.49), dbSNP rs587780247, ClinGen allele CA288582.

ClinVar aggregate classification (germline): Conflicting classifications of pathogenicity. Review status: criteria provided, conflicting classifications (1 of 4 stars). 21 submissions from 19 submitters: Uncertain significance (13); Likely benign (6). 2 of the submissions do not count toward it. Last evaluated 2026-03-10.

Conditions:
Familial ovarian cancer. Identifiers: MedGen C5679802, MONDO:0016248.
BRIP1-related disorder. Also called: BRIP1-related condition; BRIP1-related disorders. Identifiers: MedGen CN239206.
Hereditary cancer-predisposing syndrome. Also called: Neoplastic Syndromes, Hereditary; Tumor predisposition; Hereditary Cancer Syndrome; Hereditary neoplastic syndrome. Identifiers: Orphanet 140162, MedGen C0027672, MeSH D009386, MONDO:0015356.
Familial cancer of breast. Also called: hereditary breast carcinoma; Hereditary breast cancer; BREAST CANCER, FAMILIAL. Identifiers: Orphanet 227535, MedGen C0346153, MONDO:0016419, OMIM 114480. Disease mechanism: loss of function.
Fanconi anemia complementation group J. Also called: BRIP1-Related Fanconi Anemia. Identifiers: Orphanet 84, MedGen C1836860, MONDO:0012187, OMIM 609054.
Ovarian cancer. Also called: OVARIAN CANCER, SOMATIC. Identifiers: Orphanet 213500, MedGen C1140680, MONDO:0008170, OMIM 167000.
Ovarian neoplasm. Also called: Neoplasm of ovary; Ovarian Neoplasms; Ovarian tumor. Identifiers: MedGen C0919267, MeSH D010051, MONDO:0021068, HP:0100615.

Allele frequency attached by ClinVar (database versions not stated): gnomAD 0.00008 and 0.00009; gnomAD exomes 0.00011; TOPMed 0.00011; ExAC 0.00012.

Submissions 1 to 12 of 21:

PreventionGenetics, part of Exact Sciences
Classification: Uncertain significance for BRIP1-related condition. Last evaluated: 2026-03-10. Review status: criteria provided, single submitter. Criteria: ACMG Guidelines, 2015. Collection method: clinical testing. Allele origin: germline.
Comment: The BRIP1 c.316C>T variant is predicted to result in the amino acid substitution p.Arg106Cys. This variant has been reported in individuals with prostate cancer, lung adenocarcinoma, or colon cancer (Table 3, Ray et al. 2009. PubMed ID: 19935797; Supplementary Data Set 12, Lu et al. 2015. PubMed ID: 26689913; eTable 2, Pearlman et al. 2017. PubMed ID: 27978560). This variant has also been reported as uncertain in a cohort study of hereditary cancer testing (Table S1, Velázquez. 2020. PubMed ID: 32522261). In a case control study, this variant was identified in one individual with breast cancer and found in one unaffected individual (Table S1, Easton et al. 2016. PubMed ID: 26921362). In addition, a different variant affecting the same amino acid (p.Arg106His) was reported in individuals with rectal cancer/pancreatic adenocarcinoma (eTable 2, Pearlman et al. 2017. PubMed ID: 27978560; Shindo. 2017. PubMed ID: 28767289). This variant is reported in 0.020% of alleles in individuals of Latino descent in gnomAD and has conflicting interpretations in ClinVar, ranging from uncertain to likely benign (Variation ID:128184). Although we suspect that this variant may be benign, at this time, the clinical significance of this variant is uncertain due to the absence of conclusive functional and genetic evidence.

Labcorp Genetics (formerly Invitae), Labcorp
Classification: Likely benign for Familial cancer of breast; Fanconi anemia complementation group J. Last evaluated: 2026-01-31. Review status: criteria provided, single submitter. Criteria: Invitae Variant Classification Sherloc (09022015). Collection method: clinical testing. Allele origin: germline.

Molecular Pathology, Peter Maccallum Cancer Centre
Classification: Likely benign for Familial ovarian cancer. Last evaluated: 2025-03-04. Review status: criteria provided, single submitter. Criteria: ACMG Guidelines, 2015. Collection method: clinical testing. Allele origin: germline. Inheritance: Autosomal dominant inheritance.

Molecular Diagnostics Laboratory, Catalan Institute of Oncology
Classification: Uncertain significance for Hereditary cancer-predisposing syndrome. Last evaluated: 2025-01-13. Review status: criteria provided, single submitter. Criteria: ACMG Guidelines, 2015. Collection method: clinical testing. Allele origin: germline.
Comment: BP4_Moderate c.316C>T is located in exon 4 of the BRIP1 gene, is predicted to result in the substitution of arginine by cysteine at codon 106, p.(Arg106Cys).This variant is found in 22/118150, with a filtering allele frequency of 0.01% in the gnomAD v2.1.1 database (European non-Finnish non-cancer data set). The SpliceAI algorithm predicts no significant impact on splicing and the REVEL meta-predictor score for this variant (0.067) suggests that it does not affect the protein function according to Pejaver 2022 thresholds (PMID: 36413997)(BP4_Moderate). To our knowledge, functional studies have not been reported for this variant. In addition, the variant was also identified in the LOVD database (1x uncertain significance, 1x likely benign, 2x not classified) and ClinVar (12x uncertain significance, 4x likely benign) and databases. Based on currently available information, the variant c.316C>T is classified as an uncertain significance variant according to ACMG guidelines.

Ambry Genetics
Classification: Likely benign for Hereditary cancer-predisposing syndrome. Last evaluated: 2024-11-05. Review status: criteria provided, single submitter. Criteria: Ambry Variant Classification Scheme 2023. Collection method: clinical testing. Allele origin: germline.

Color Diagnostics, LLC DBA Color Health
Classification: Likely benign for Hereditary cancer-predisposing syndrome. Last evaluated: 2024-09-19. Review status: criteria provided, single submitter. Criteria: ACMG Guidelines, 2015. Collection method: clinical testing. Allele origin: germline.

Blueprint Genetics
Classification: Uncertain significance. Last evaluated: 2024-08-16. Review status: criteria provided, single submitter. Criteria: ACMG Guidelines, 2015. Collection method: clinical testing. Allele origin: germline.

GeneDx
Classification: Uncertain significance. Last evaluated: 2024-05-23. Review status: criteria provided, single submitter. Criteria: GeneDx Variant Classification Process June 2021. Collection method: clinical testing. Allele origin: germline. Affected: yes.
Comment: In silico analysis indicates that this missense variant does not alter protein structure/function; Observed in individuals with breast cancer, melanoma, prostate cancer, or colon cancer, but also in unaffected controls (PMID: 19935797, 26921362, 27978560, 33134171, 35264596); This variant is associated with the following publications: (PMID: 19935797, 27978560, 26921362, 28492532, 26689913, 33134171, 32522261, 35264596)

Baylor Genetics
Classification: Uncertain significance for Familial cancer of breast. Last evaluated: 2024-03-14. Review status: criteria provided, single submitter. Criteria: ACMG Guidelines, 2015. Collection method: clinical testing. Allele origin: unknown.

ARUP Laboratories, Molecular Genetics and Genomics, ARUP Laboratories
Classification: Uncertain significance. Last evaluated: 2024-02-23. Review status: criteria provided, single submitter. Criteria: ARUP Molecular Germline Variant Investigation Process 2024. Collection method: clinical testing. Allele origin: germline.
Comment: The BRIP1 c.316C>T; p.Arg106Cys (rs587780247) is reported in the germline of individuals with different cancer types, including breast cancer (Easton 2016, Grasel 2020, Guindalini 2022, Pearlman 2017, Ray 2009, Velazquez 2020) but is also reported in healthy controls (Easton 2016). Additionally, in one family, this variant was reported in two siblings affected with cancer and was absent from two cancer-free siblings (Grasel 2020). This variant is also reported in ClinVar (Variation ID: 128184), and is found in the general population with an overall allele frequency of 0.01% (31/282,846 alleles) in the Genome Aggregation Database (v2.1.1). Computational analyses predict that this variant is neutral (REVEL: 0.067). Given the lack of functional data, the significance of this variant is uncertain at this time. References: Easton DF et al. No evidence that protein truncating variants in BRIP1 are associated with breast cancer risk: implications for gene panel testing. J Med Genet. 2016 May;53(5):298-309. PMID: 26921362. Grasel RS et al. Using Co-segregation and Loss of Heterozygosity Analysis to Define the Pathogenicity of Unclassified Variants in Hereditary Breast Cancer Patients. Front Oncol. 2020 Oct 2;10:571330. PMID: 33134171. Guindalini RSC et al. Detection of germline variants in Brazilian breast cancer patients using multigene panel testing. Sci Rep. 2022 Mar 9;12(1):4190. PMID: 35264596 Pearlman R et al. Prevalence and Spectrum of Germline Cancer Susceptibility Gene Mutations Among Patients With Early-Onset Colorectal Cancer. JAMA Oncol. 2017 Apr 1;3(4):464-471. PMID: 27978560. Ray AM et al. Absence of truncating BRIP1 mutations in chromosome 17q-linked hereditary prostate cancer families. Br J Cancer. 2009 Dec 15;101(12):2043-7. PMID: 19935797. Velazquez C et al. A comprehensive custom panel evaluation for routine hereditary cancer testing: improving the yield of germline mutation detection. J Transl Med. 2020 Jun 10;18(1):232. PMID: 32522261.

Quest Diagnostics Nichols Institute San Juan Capistrano
Classification: Likely benign. Last evaluated: 2023-06-02. Review status: criteria provided, single submitter. Criteria: Quest Diagnostics criteria. Collection method: clinical testing. Allele origin: unknown.

Myriad Genetics, Inc.
Classification: Uncertain significance for Familial cancer of breast. Last evaluated: 2023-03-02. Review status: criteria provided, single submitter. Criteria: Myriad Autosomal Dominant, Autosomal Recessive and X-Linked Classification Criteria (2023). Collection method: clinical testing. Allele origin: unknown.
Comment: This variant is classified as a variant of uncertain significance as there is insufficient evidence to determine its impact on protein function and/or cancer risk.